The following is an entry in ClinVar:

ClinVar aggregate classification (germline): Uncertain significance (1 of 4 stars; one submission).

Submission:

GeneDx
Classification: Uncertain significance. Last evaluated: 2023-06-13. Review status: criteria provided, single submitter. Criteria: GeneDx Variant Classification Process June 2021. Collection method: clinical testing. Allele origin: germline. Affected: yes.
Comment: Not observed at significant frequency in large population cohorts (gnomAD); In silico analysis supports that this missense variant does not alter protein structure/function; Has not been previously published as pathogenic or benign to our knowledge

NM_001792.5(CDH2):c.2017G>A (p.Ala673Thr)

Gene: CDH2 (cadherin 2; minus strand). Cytogenetic location: 18q12.1.
Variant type: single nucleotide variant.
Coding change: c.2017G>A on transcript NM_001792.5 (MANE Select); coding-DNA position 2017, G replaced by A.
Protein change: p.Ala673Thr; replaces alanine 673 with threonine.
Molecular consequence: missense variant.
Genome position (GRCh38, 1-based): chr18:27,985,192, C>T on the plus strand (G>A on the coding strand, the complement: CDH2 is on the minus strand). VCF-style: chr18-27985192-C-T. GRCh37 (hg19) VCF-style: chr18-25565156-C-T.
Other names: c.1924G>A, p.Ala642Thr (NM_001308176.2); short protein forms A642T, A673T.
Identifiers: ClinVar variation 3359807 (VCV003359807.1).